The following is an entry in ClinVar:

NM_016277.5(RAB23):c.262G>A (p.Val88Met)

Gene: RAB23 (RAB23, member RAS oncogene family; minus strand). Cytogenetic location: 6p12.1.
Variant type: single nucleotide variant.
Coding change: c.262G>A on transcript NM_016277.5 (MANE Select); coding-DNA position 262, G replaced by A.
Protein change: p.Val88Met; replaces valine 88 with methionine.
Molecular consequence: missense variant.
Genome position (GRCh38, 1-based): chr6:57,196,586, C>T on the plus strand (G>A on the coding strand, the complement: RAB23 is on the minus strand). VCF-style: chr6-57196586-C-T. GRCh37 (hg19) VCF-style: chr6-57061384-C-T.
Other names: c.262G>A, p.Val88Met (NM_001278666.2, NM_001278667.2, NM_001278668.2 and 1 more transcripts); c.262G>A (NM_183227.1); short protein forms V88M.
Identifiers: ClinVar variation 2634228 (VCV002634228.3), dbSNP rs764166088, ClinGen allele CA3873857.

ClinVar aggregate classification (germline): Uncertain significance. Review status: criteria provided, single submitter (1 of 4 stars). 2 submissions from 2 submitters: Uncertain significance (1). 1 of the submissions does not count toward it. Last evaluated 2025-03-03.

Conditions:
RAB23-related disorder. Also called: RAB23-related condition.
Inborn genetic diseases. Identifiers: MedGen C0950123, MeSH D030342.

Allele frequency attached by ClinVar (database versions not stated): gnomAD 0.00001; ExAC 0.00002; TOPMed 0.00003.
gnomAD v4.1: 33 of 1,613,716 alleles (0.002%); highest among the groups gnomAD compares: African/African-American, 0.004%; no homozygotes.

Submissions (2):

Ambry Genetics
Classification: Uncertain significance for Inborn genetic diseases. Last evaluated: 2025-03-03. Review status: criteria provided, single submitter. Criteria: Ambry Variant Classification Scheme 2023. Collection method: clinical testing. Allele origin: germline.

PreventionGenetics, part of Exact Sciences
Classification: Uncertain significance for RAB23-related condition. Last evaluated: 2024-07-22. Review status: no assertion criteria provided. Collection method: clinical testing. Allele origin: germline. Not counted in ClinVar's aggregate classification.
Comment: The RAB23 c.262G>A variant is predicted to result in the amino acid substitution p.Val88Met. To our knowledge, this variant has not been reported in the literature. This variant is reported in 0.012% of alleles in individuals of African descent in gnomAD. At this time, the clinical significance of this variant is uncertain due to the absence of conclusive functional and genetic evidence.